The following is an entry in ClinVar:

ClinVar aggregate classification (germline): Uncertain significance (1 of 4 stars; one submission).

Conditions:
Inborn genetic diseases. Identifiers: MedGen C0950123, MeSH D030342.

Allele frequency attached by ClinVar (database versions not stated): gnomAD exomes below 0.00001; TOPMed below 0.00001.
gnomAD v4.1: 2 of 1,614,006 alleles (0.00012%); highest among the groups gnomAD compares: Non-Finnish European, 0.00017%; no homozygotes.

Submission:

Ambry Genetics
Classification: Uncertain significance for Inborn genetic diseases. Last evaluated: 2017-07-17. Review status: criteria provided, single submitter. Criteria: Ambry Variant Classification Scheme 2023. Collection method: clinical testing. Allele origin: germline.
Comment: The p.T608I variant (also known as c.1823C>T), located in coding exon 12 of the CNTNAP2 gene, results from a C to T substitution at nucleotide position 1823. The threonine at codon 608 is replaced by isoleucine, an amino acid with similar properties. This amino acid position is not well conserved in available vertebrate species. In addition, this alteration is predicted to be tolerated by in silico analysis. Since supporting evidence is limited at this time, the clinical significance of this alteration remains unclear.

NM_014141.6(CNTNAP2):c.1823C>T (p.Thr608Ile)

Gene: CNTNAP2 (contactin associated protein 2; plus strand). Cytogenetic location: 7q35.
Variant type: single nucleotide variant.
Coding change: c.1823C>T on transcript NM_014141.6 (MANE Select); coding-DNA position 1823, C replaced by T.
Protein change: p.Thr608Ile; replaces threonine 608 with isoleucine.
Molecular consequence: missense variant.
Genome position (GRCh38, 1-based): chr7:147,562,183, C>T. VCF-style: chr7-147562183-C-T. GRCh37 (hg19) VCF-style: chr7-147259275-C-T.
Other names: short protein forms T608I.
Identifiers: ClinVar variation 1780798 (VCV001780798.2), dbSNP rs1800076715, ClinGen allele CA369926605.